The following is an entry in ClinVar:

ClinVar aggregate classification (germline): Uncertain significance (1 of 4 stars; one submission).

Conditions:
Joubert syndrome 8 (JBTS8). Identifiers: Orphanet 475, MedGen C2676771, MONDO:0012855, OMIM 612291.

Allele frequency attached by ClinVar (database versions not stated): gnomAD exomes below 0.00001 and 0.00001; TOPMed below 0.00001; ExAC 0.00001.
gnomAD v4.1: 6 of 1,613,544 alleles (0.00037%); highest among the groups gnomAD compares: South Asian, 0.0066%; no homozygotes.

Submission:

Labcorp Genetics (formerly Invitae), Labcorp
Classification: Uncertain significance for Joubert syndrome 8. Last evaluated: 2022-02-24. Review status: criteria provided, single submitter. Criteria: Invitae Variant Classification Sherloc (09022015). Collection method: clinical testing. Allele origin: germline.
Comment: In summary, the available evidence is currently insufficient to determine the role of this variant in disease. Therefore, it has been classified as a Variant of Uncertain Significance. Algorithms developed to predict the effect of sequence changes on RNA splicing suggest that this variant may create or strengthen a splice site. Algorithms developed to predict the effect of missense changes on protein structure and function (SIFT, PolyPhen-2, Align-GVGD) all suggest that this variant is likely to be tolerated. This variant has not been reported in the literature in individuals affected with ARL13B-related conditions. This variant is present in population databases (rs777838538, gnomAD 0.007%). This sequence change replaces lysine, which is basic and polar, with glutamic acid, which is acidic and polar, at codon 57 of the ARL13B protein (p.Lys57Glu).

NM_001174150.2(ARL13B):c.169A>G (p.Lys57Glu)

Gene: ARL13B (ARF like GTPase 13B; plus strand). Cytogenetic location: 3q11.2.
Variant type: single nucleotide variant.
Coding change: c.169A>G on transcript NM_001174150.2 (MANE Select); coding-DNA position 169, A replaced by G.
Protein change: p.Lys57Glu; replaces lysine 57 with glutamic acid.
Molecular consequence: missense variant. On other transcripts: 5 prime UTR variant (1), intron variant (1).
Genome position (GRCh38, 1-based): chr3:94,003,697, A>G. VCF-style: chr3-94003697-A-G. GRCh37 (hg19) VCF-style: chr3-93722541-A-G.
Other names: c.-141A>G (NM_001174151.2); c.124A>G, p.Lys42Glu (NM_001321328.2); c.169A>G, p.Lys57Glu (NM_182896.3); c.59+23215A>G (NM_144996.4); short protein forms K57E, K42E.
Identifiers: ClinVar variation 1505022 (VCV001505022.6), dbSNP rs777838538, ClinGen allele CA2503806.
Genomic context (GRCh38, chr3:94,003,697, plus strand): 5'-TTTTGTGTATCATTTGTAACAGAATACCCTGAAGATGTAGCTCCTACTGTTGGATTTTCA[A>G]AAATTAACCTTAGACAAGGAAAGTTTGAAGTCACCATCTTTGACTTGGGAGGTGGAATAA-3'
Protein context (NP_001167621.1, residues 47-67): EDVAPTVGFS[Lys57Glu]INLRQGKFEV